The following is an entry in ClinVar:

ClinVar aggregate classification (germline): Uncertain significance. Review status: criteria provided, multiple submitters, no conflicts (2 of 4 stars). 2 submissions from 2 submitters: Uncertain significance (2). Last evaluated 2025-03-15.

Conditions:
Familial cancer of breast. Also called: BREAST CANCER, FAMILIAL; hereditary breast carcinoma; Hereditary breast cancer. Identifiers: Orphanet 227535, MedGen C0346153, MONDO:0016419, OMIM 114480. Disease mechanism: loss of function.
Fanconi anemia complementation group J. Also called: BRIP1-Related Fanconi Anemia. Identifiers: Orphanet 84, MedGen C1836860, MONDO:0012187, OMIM 609054.
Hereditary cancer-predisposing syndrome. Also called: Neoplastic Syndromes, Hereditary; Hereditary neoplastic syndrome; Tumor predisposition; Hereditary Cancer Syndrome. Identifiers: Orphanet 140162, MedGen C0027672, MeSH D009386, MONDO:0015356.

Allele frequency attached by ClinVar (database versions not stated): gnomAD exomes below 0.00001; TOPMed below 0.00001.
gnomAD v4.1: 1 of 1,613,610 alleles (0.000062%); highest among the groups gnomAD compares: Non-Finnish European, 0.000085%; no homozygotes.

Submissions (2):

Ambry Genetics
Classification: Uncertain significance for Hereditary cancer-predisposing syndrome. Last evaluated: 2025-03-15. Review status: criteria provided, single submitter. Criteria: Ambry Variant Classification Scheme 2023. Collection method: clinical testing. Allele origin: germline.
Comment: The p.Q728E variant (also known as c.2182C>G), located in coding exon 14 of the BRIP1 gene, results from a C to G substitution at nucleotide position 2182. The glutamine at codon 728 is replaced by glutamic acid, an amino acid with highly similar properties. This amino acid position is not well conserved in available vertebrate species. In addition, this alteration is predicted to be tolerated by in silico analysis. Since supporting evidence is limited at this time, the clinical significance of this alteration remains unclear.

Labcorp Genetics (formerly Invitae), Labcorp
Classification: Uncertain significance for Familial cancer of breast; Fanconi anemia complementation group J. Last evaluated: 2024-12-24. Review status: criteria provided, single submitter. Criteria: Invitae Variant Classification Sherloc (09022015). Collection method: clinical testing. Allele origin: germline.
Comment: This sequence change replaces glutamine, which is neutral and polar, with glutamic acid, which is acidic and polar, at codon 728 of the BRIP1 protein (p.Gln728Glu). This variant is not present in population databases (gnomAD no frequency). This variant has not been reported in the literature in individuals affected with BRIP1-related conditions. ClinVar contains an entry for this variant (Variation ID: 834860). Invitae Evidence Modeling of protein sequence and biophysical properties (such as structural, functional, and spatial information, amino acid conservation, physicochemical variation, residue mobility, and thermodynamic stability) has been performed for this missense variant. However, the output from this modeling did not meet the statistical confidence thresholds required to predict the impact of this variant on BRIP1 protein function. In summary, the available evidence is currently insufficient to determine the role of this variant in disease. Therefore, it has been classified as a Variant of Uncertain Significance.

NM_032043.3(BRIP1):c.2182C>G (p.Gln728Glu)

Gene: BRIP1 (BRCA1 interacting DNA helicase 1; minus strand). Cytogenetic location: 17q23.2.
Variant type: single nucleotide variant.
Coding change: c.2182C>G on transcript NM_032043.3 (MANE Select); coding-DNA position 2182, C replaced by G.
Protein change: p.Gln728Glu; replaces glutamine 728 with glutamic acid.
Molecular consequence: missense variant.
Genome position (GRCh38, 1-based): chr17:61,744,507, G>C on the plus strand (C>G on the coding strand, the complement: BRIP1 is on the minus strand). VCF-style: chr17-61744507-G-C. GRCh37 (hg19) VCF-style: chr17-59821868-G-C.
Other names: short protein forms Q728E.
Identifiers: ClinVar variation 834860 (VCV000834860.14), dbSNP rs1296238058, ClinGen allele CA400483075.